The following is an entry in ClinVar:

ClinVar aggregate classification (germline): Uncertain significance (1 of 4 stars; one submission).

Submission:

Labcorp Genetics (formerly Invitae), Labcorp
Classification: Uncertain significance. Last evaluated: 2023-11-11. Review status: criteria provided, single submitter. Criteria: Invitae Variant Classification Sherloc (09022015). Collection method: clinical testing. Allele origin: germline.
Comment: This sequence change replaces glutamic acid, which is acidic and polar, with glycine, which is neutral and non-polar, at codon 1879 of the PCLO protein (p.Glu1879Gly). This variant is not present in population databases (gnomAD no frequency). This variant has not been reported in the literature in individuals affected with PCLO-related conditions. Experimental studies and prediction algorithms are not available or were not evaluated, and the functional significance of this variant is currently unknown. In summary, the available evidence is currently insufficient to determine the role of this variant in disease. Therefore, it has been classified as a Variant of Uncertain Significance.

NM_033026.6(PCLO):c.5636A>G (p.Glu1879Gly)

Gene: PCLO (piccolo presynaptic cytomatrix protein; minus strand). Cytogenetic location: 7q21.11.
Variant type: single nucleotide variant.
Coding change: c.5636A>G on transcript NM_033026.6 (MANE Select); coding-DNA position 5636, A replaced by G.
Protein change: p.Glu1879Gly; replaces glutamic acid 1879 with glycine.
Molecular consequence: missense variant.
Genome position (GRCh38, 1-based): chr7:82,955,317, T>C on the plus strand (A>G on the coding strand, the complement: PCLO is on the minus strand). VCF-style: chr7-82955317-T-C. GRCh37 (hg19) VCF-style: chr7-82584633-T-C.
Other names: c.5636A>G, p.Glu1879Gly (NM_014510.3); short protein forms E1879G.
Identifiers: ClinVar variation 2766763 (VCV002766763.3), dbSNP rs2535706241, ClinGen allele CA367923771.